The following is an entry in ClinVar:

ClinVar aggregate classification (germline): Conflicting classifications of pathogenicity. Review status: criteria provided, conflicting classifications (1 of 4 stars). 9 submissions from 9 submitters: Likely pathogenic (1); Uncertain significance (8). Last evaluated 2026-03-10.

Conditions:
Hereditary cancer-predisposing syndrome. Also called: Neoplastic Syndromes, Hereditary; Hereditary Cancer Syndrome; Tumor predisposition; Hereditary neoplastic syndrome. Identifiers: Orphanet 140162, MedGen C0027672, MeSH D009386, MONDO:0015356.
Familial cancer of breast. Also called: Hereditary breast cancer; BREAST CANCER, FAMILIAL; hereditary breast carcinoma. Identifiers: Orphanet 227535, MedGen C0346153, MONDO:0016419, OMIM 114480. Disease mechanism: loss of function.
Hereditary breast ovarian cancer syndrome. Also called: Hereditary breast and/or ovarian cancer syndrome; BRCA1- and BRCA2-Associated Hereditary Breast and Ovarian Cancer; Hereditary breast and ovarian cancer syndrome (HBOC); Hereditary breast and ovarian cancer syndrome; Hereditary breast and ovarian cancer; Breast and ovarian cancer. Identifiers: Orphanet 145, MedGen C0677776, MeSH D061325, MONDO:0003582. Disease mechanism: loss of function.
Li-Fraumeni syndrome (LFS). Also called: Sarcoma family syndrome of Li and Fraumeni. Identifiers: Orphanet 524, MedGen C0085390, MONDO:0018875.

Allele frequency attached by ClinVar (database versions not stated): gnomAD 0.00001; 1000 Genomes Project 30x 0.00031; 1000 Genomes Project 0.00040; gnomAD exomes below 0.00001.
gnomAD v4.1: 6 of 1,612,692 alleles (0.00037%); highest among the groups gnomAD compares: South Asian, 0.0044%; 1 homozygote.

Submissions (9):

German Consortium for Hereditary Breast and Ovarian Cancer, University Hospital Cologne
Classification: Uncertain significance for Hereditary breast ovarian cancer syndrome. Last evaluated: 2026-03-10. Review status: criteria provided, single submitter. Criteria: ACMG SVI. Collection method: curation. Allele origin: germline.
Comment: This classification follows the ACMG SVI adaptation classification scheme; We chose this criterion: PP3 (supporting pathogenic): last nucleotide of exon 11 SpliceAI: Donor Loss (canonical donor splice site) 0.52 (0.96 --> 0.44)

Labcorp Genetics (formerly Invitae), Labcorp
Classification: Uncertain significance for Familial cancer of breast. Last evaluated: 2025-11-21. Review status: criteria provided, single submitter. Criteria: Invitae Variant Classification Sherloc (09022015). Collection method: clinical testing. Allele origin: germline.
Comment: This sequence change affects codon 420 of the CHEK2 mRNA. It is a 'silent' change, meaning that it does not change the encoded amino acid sequence of the CHEK2 protein. This variant also falls at the last nucleotide of exon 11, which is part of the consensus splice site for this exon. This variant is present in population databases (rs578218280, gnomAD 0.0009%). This variant has been observed in individual(s) with breast cancer (PMID: 32854451). This variant is also known as c.1388G>A (p.Cys463Tyr) . ClinVar contains an entry for this variant (Variation ID: 233743). An algorithm developed to predict the effect of missense changes on protein structure and function (PolyPhen-2) suggests that this variant is likely to be disruptive. Variants that disrupt the consensus splice site are a relatively common cause of aberrant splicing (PMID: 17576681, 9536098). Studies have shown that this variant is associated with inconclusive levels of altered splicing (internal data). In summary, the available evidence is currently insufficient to determine the role of this variant in disease. Therefore, it has been classified as a Variant of Uncertain Significance.

Ambry Genetics
Classification: Uncertain significance for Hereditary cancer-predisposing syndrome. Last evaluated: 2025-05-30. Review status: criteria provided, single submitter. Criteria: Ambry Variant Classification Scheme 2023. Collection method: clinical testing. Allele origin: germline.
Comment: The p.C420Y variant (also known as c.1259G>A), located in coding exon 10 of the CHEK2 gene, results from a G to A substitution at nucleotide position 1259. The amino acid change results in cysteine to tyrosine at codon 420, an amino acid with highly dissimilar properties. However, this change occurs in the last base pair of coding exon 10, which makes it likely to have some effect on normal mRNA splicing. The nucleotide and amino acid positions are highly conserved in available vertebrate species. In silico splice site analysis predicts that this alteration will weaken the native splice donor site. RNA studies have demonstrated that this alteration results in an incomplete splice defect; the clinical impact of this abnormal splicing is unknown at this time (Ambry internal data). This alteration behaved as non-functional in an in vivo, yeast-based growth rate assay (Delimitsou A et al. Hum. Mutat. 2019 05;40(5):631-648). This variant was also reported as functionally impaired in a study assessing CHEK2-complementation through quantification of KAP1 phosphorylation and CHK2 autophosphorylation in human RPE1-CHEK2-knockout cells (Stolarova L et al. Clin Cancer Res, 2023 Aug;29:3037-3050). In addition, as a missense substitution this alteration is predicted to be deleterious by in silico analysis. Based on the available evidence, the clinical significance of this variant remains unclear.

Department of Pathology and Laboratory Medicine, Sinai Health System
Classification: Uncertain significance for Li-Fraumeni syndrome. Last evaluated: 2024-03-28. Review status: criteria provided, single submitter. Criteria: ACMG Guidelines, 2015. Collection method: clinical testing. Allele origin: germline. Affected: yes.

Color Diagnostics, LLC DBA Color Health
Classification: Uncertain significance for Hereditary cancer-predisposing syndrome. Last evaluated: 2023-10-31. Review status: criteria provided, single submitter. Criteria: ACMG Guidelines, 2015. Collection method: clinical testing. Allele origin: germline.
Comment: This missense variant replaces cysteine with tyrosine at codon 420 of the CHEK2 protein. Computational prediction is inconclusive regarding the impact of this variant on protein structure and function (internally defined REVEL score threshold 0.5 < inconclusive < 0.7, PMID: 27666373). To our knowledge, functional studies have not been reported for this variant. However, this variant causes a G>T nucleotide substitution at the last nucleotide of exon 11 of the CHEK2 gene, and splice site prediction tools suggest that this variant may impact RNA splicing. This variant has been reported in individuals affected with breast cancer (PMID: 25186627, 32854451, 37449874). This variant has been identified in 1/249952 chromosomes in the general population by the Genome Aggregation Database (gnomAD). The available evidence is insufficient to determine the role of this variant in disease conclusively. Therefore, this variant is classified as a Variant of Uncertain Significance.

Baylor Genetics
Classification: Likely pathogenic for Familial cancer of breast. Last evaluated: 2023-09-21. Review status: criteria provided, single submitter. Criteria: ACMG Guidelines, 2015. Collection method: clinical testing. Allele origin: unknown.

KCCC/NGS Laboratory, Kuwait Cancer Control Center
Classification: Uncertain significance for Familial cancer of breast. Last evaluated: 2023-07-07. Review status: criteria provided, single submitter. Criteria: ACMG Guidelines, 2015. Collection method: clinical testing. Allele origin: unknown. Affected: yes.
Comment: This sequence change replaces cysteine with tyrosine at codon 420 of the CHEK2 protein (p.Cys420Tyr). The cysteine residue is highly conserved and there is a large physicochemical difference between cysteine and tyrosine. This variant also falls at the last nucleotide of exon 11 of the CHEK2 coding sequence, which is part of the consensus splice site for this exon. This variant is not found in gnomAD genomes. This variant has not been reported in the literature in individuals with CHEK2-related disease. ClinVar contains an entry for this variant (Variation ID: 233743) with 5 submissions all of which describe it as of uncertain significance. In-silico predictions show pathogenic computational verdict based on 10 pathogenic predictions from BayesDel_addAF, DANN, EIGEN, FATHMMMKL, LIST-S2, M-CAP, MutationTaster, PrimateAI, SIFT and scSNV-Splicing vs 3 benign predictions from DEOGEN2, MVP and MutationAssessor. Nucleotide substitutions within the consensus splice site are a relatively common cause of aberrant splicing (PMID: 17576681, 9536098).. Therefore, it has been classified as a Variant of Uncertain Significance.

Genetic Services Laboratory, University of Chicago
Classification: Uncertain significance. Last evaluated: 2016-12-06. Review status: criteria provided, single submitter. Criteria: ACMG Guidelines, 2015. Collection method: clinical testing. Allele origin: germline. Affected: no.

GeneDx
Classification: Uncertain significance. Last evaluated: 2016-09-20. Review status: criteria provided, single submitter. Criteria: GeneDx Variant Classification (06012015). Collection method: clinical testing. Allele origin: germline. Affected: yes.
Comment: This variant is denoted CHEK2 c.1259G>A at the cDNA level, p.Cys420Tyr (C420Y) at the protein level, and results in the change of a Cysteine to a Tyrosine (TGC>TAC). This variant has not, to our knowledge, been published in the literature as pathogenic or benign. CHEK2 Cys420Tyr was not observed at a significant allele frequency in 1000 Genomes. Since Cysteine and Tyrosine differ in polarity, charge, size, or other properties, this is considered a non-conservative amino acid substitution. CHEK2 Cys420Tyr alters a position that is conserved across species and is located in the kinase domain (Desrichard 2011, Roeb 2012). Protein-based in silico analyses predict that this variant is probably damaging to protein structure and function, and multiple splicing models predict that this variant may impact the nearby natural splice acceptor site. However, in the absence of RNA or functional studies, the actual effect of this variant is unknown. Based on currently available evidence, it is unclear whether CHEK2 Cys420Tyr is a pathogenic or benign variant. We consider it to be a variant of uncertain significance.

Literature cited by the submitters: PubMed 32854451 (cited by 4 submitters); PubMed 17576681 (cited by Labcorp Genetics (formerly Invitae), Labcorp); PubMed 9536098 (cited by Labcorp Genetics (formerly Invitae), Labcorp); PubMed 25186627 (cited by 3 submitters); PubMed 28580595 (cited by Ambry Genetics); PubMed 30851065 (cited by Ambry Genetics and Department of Pathology and Laboratory Medicine, Sinai Health System); PubMed 37449874 (cited by 3 submitters).

NM_007194.4(CHEK2):c.1259G>A (p.Cys420Tyr)

Gene: CHEK2 (checkpoint kinase 2; minus strand). Cytogenetic location: 22q12.1.
Variant type: single nucleotide variant.
Coding change: c.1259G>A on transcript NM_007194.4 (MANE Select); coding-DNA position 1259, G replaced by A.
Protein change: p.Cys420Tyr; replaces cysteine 420 with tyrosine.
Molecular consequence: missense variant.
Genome position (GRCh38, 1-based): chr22:28,695,710, C>T on the plus strand (G>A on the coding strand, the complement: CHEK2 is on the minus strand). VCF-style: chr22-28695710-C-T. GRCh37 (hg19) VCF-style: chr22-29091698-C-T.
Other names: c.1388G>A, p.Cys463Tyr (NM_001005735.3); c.596G>A, p.Cys199Tyr (NM_001257387.3); c.1058G>A, p.Cys353Tyr (NM_001349956.3); c.1172G>A, p.Cys391Tyr (NM_145862.3); short protein forms C420Y, C199Y, C353Y, C391Y, C463Y.
Identifiers: ClinVar variation 233743 (VCV000233743.28), dbSNP rs578218280, ClinGen allele CA10581044.